The following is an entry in ClinVar:

NM_001291303.3(FAT4):c.5011C>T (p.Arg1671Cys)

Gene: FAT4 (FAT atypical cadherin 4; plus strand). Cytogenetic location: 4q28.1.
Variant type: single nucleotide variant.
Coding change: c.5011C>T on transcript NM_001291303.3 (MANE Select); coding-DNA position 5011, C replaced by T.
Protein change: p.Arg1671Cys; replaces arginine 1671 with cysteine.
Molecular consequence: missense variant.
Genome position (GRCh38, 1-based): chr4:125,321,422, C>T. VCF-style: chr4-125321422-C-T. GRCh37 (hg19) VCF-style: chr4-126242577-C-T.
Other names: c.5011C>T, p.Arg1671Cys (NM_001291285.3, NM_024582.6); c.5011C>T (NM_024582.5); short protein forms R1671C.
Identifiers: ClinVar variation 1496058 (VCV001496058.6), dbSNP rs373116363, ClinGen allele CA3072558.
Genomic context (GRCh38, chr4:125,321,422, plus strand): 5'-ATAGAAGCAGCTAGCCCCAGAGGATCTGAGGCCCCAGTGGAGTATTATATTGTTTCAGTT[C>T]GTTGTGAAGAAAAAACTGTTGGACGCCTCTTTACTATTGGACGACATACTGGTATAATTC-3'
Protein context (NP_001278232.1, residues 1661-1681): APVEYYIVSV[Arg1671Cys]CEEKTVGRLF

ClinVar aggregate classification (germline): Uncertain significance. Review status: criteria provided, multiple submitters, no conflicts (2 of 4 stars). 2 submissions from 2 submitters: Uncertain significance (2). Last evaluated 2024-02-15.

Conditions:
Hennekam lymphangiectasia-lymphedema syndrome 2 (HKLLS2). Identifiers: Orphanet 2136, MedGen C4014939, MONDO:0014454, OMIM 616006.
Van Maldergem syndrome 2 (VMLDS2). Identifiers: Orphanet 314679, MedGen C3809875, MONDO:0014242, OMIM 615546.

Allele frequency attached by ClinVar (database versions not stated): gnomAD exomes 0.00001 and 0.00002; ExAC 0.00002; gnomAD 0.00003 and 0.00004; TOPMed 0.00004; ESP Exome Variant Server 0.00008.
gnomAD v4.1: 14 of 1,613,932 alleles (0.00087%); highest among the groups gnomAD compares: African/African-American, 0.0067%; no homozygotes.

Submissions (2):

Fulgent Genetics
Classification: Uncertain significance for Van Maldergem syndrome 2; Hennekam lymphangiectasia-lymphedema syndrome 2. Last evaluated: 2024-02-15. Review status: criteria provided, single submitter. Criteria: ACMG Guidelines, 2015. Collection method: clinical testing. Allele origin: germline.

Labcorp Genetics (formerly Invitae), Labcorp
Classification: Uncertain significance. Last evaluated: 2022-08-09. Review status: criteria provided, single submitter. Criteria: Invitae Variant Classification Sherloc (09022015). Collection method: clinical testing. Allele origin: germline.
Comment: This sequence change replaces arginine, which is basic and polar, with cysteine, which is neutral and slightly polar, at codon 1671 of the FAT4 protein (p.Arg1671Cys). This variant is present in population databases (rs373116363, gnomAD 0.01%). This variant has not been reported in the literature in individuals affected with FAT4-related conditions. ClinVar contains an entry for this variant (Variation ID: 1496058). Advanced modeling of protein sequence and biophysical properties (such as structural, functional, and spatial information, amino acid conservation, physicochemical variation, residue mobility, and thermodynamic stability) performed at Invitae indicates that this missense variant is not expected to disrupt FAT4 protein function. In summary, the available evidence is currently insufficient to determine the role of this variant in disease. Therefore, it has been classified as a Variant of Uncertain Significance.